The following is an entry in ClinVar:

NM_001845.6(COL4A1):c.2672G>A (p.Gly891Asp)

Gene: COL4A1 (collagen type IV alpha 1 chain; minus strand). Cytogenetic location: 13q34.
Variant type: single nucleotide variant.
Coding change: c.2672G>A on transcript NM_001845.6 (MANE Select); coding-DNA position 2672, G replaced by A.
Protein change: p.Gly891Asp; replaces glycine 891 with aspartic acid.
Molecular consequence: missense variant.
Genome position (GRCh38, 1-based): chr13:110,177,886, C>T on the plus strand (G>A on the coding strand, the complement: COL4A1 is on the minus strand). VCF-style: chr13-110177886-C-T. GRCh37 (hg19) VCF-style: chr13-110830233-C-T.
Other names: short protein forms G891D.
Identifiers: ClinVar variation 280827 (VCV000280827.1), dbSNP rs886041965, ClinGen allele CA10603181.

ClinVar aggregate classification (germline): Pathogenic (1 of 4 stars; one submission).

Submission:

GeneDx
Classification: Pathogenic. Last evaluated: 2016-09-09. Review status: criteria provided, single submitter. Criteria: GeneDx Variant Classification (06012015). Collection method: clinical testing. Allele origin: germline. Affected: yes.
Comment: The G891D pathogenic variant in the COL4A1 gene has not been reported previously as a pathogenic variant nor as a benign variant, to our knowledge. This variant was not observed in approximately 6500 individuals of European and African American ancestry in the NHLBI Exome Sequencing Project, indicating it is not a common benign variant in these populations. The G891D variant is a non-conservative amino acid substitution, which is likely to impact secondary protein structure as these residues differ in polarity, charge, size and/or other properties. This substitution occurs at a Glycine position within a Gly-X-Y repeat of a triple helical region of the protein that is conserved across species, and in silico analysis predicts this variant is probably damaging to the protein structure/function. We interpret G891D as a pathogenic variant.